The following is an entry in ClinVar:

ClinVar aggregate classification (germline): Uncertain significance (1 of 4 stars; one submission).

Conditions:
Inborn genetic diseases. Identifiers: MedGen C0950123, MeSH D030342.

Allele frequency attached by ClinVar (database versions not stated): gnomAD exomes below 0.00001.
gnomAD v4.1: 1 of 1,612,334 alleles (0.000062%); highest among the groups gnomAD compares: Non-Finnish European, 0.000085%; no homozygotes.

Submission:

Ambry Genetics
Classification: Uncertain significance for Inborn genetic diseases. Last evaluated: 2022-01-16. Review status: criteria provided, single submitter. Criteria: Ambry Variant Classification Scheme 2023. Collection method: clinical testing. Allele origin: germline.
Comment: The p.A1934S variant (also known as c.5800G>T), located in coding exon 34 of the ATR gene, results from a G to T substitution at nucleotide position 5800. The alanine at codon 1934 is replaced by serine, an amino acid with similar properties. This amino acid position is conserved. In addition, the in silico prediction for this alteration is inconclusive. Since supporting evidence is limited at this time, the clinical significance of this alteration remains unclear.

NM_001184.4(ATR):c.5800G>T (p.Ala1934Ser)

Gene: ATR (ATR checkpoint kinase; minus strand). Cytogenetic location: 3q23.
Variant type: single nucleotide variant.
Coding change: c.5800G>T on transcript NM_001184.4 (MANE Select); coding-DNA position 5800, G replaced by T.
Protein change: p.Ala1934Ser; replaces alanine 1934 with serine.
Molecular consequence: missense variant.
Genome position (GRCh38, 1-based): chr3:142,496,459, C>A on the plus strand (G>T on the coding strand, the complement: ATR is on the minus strand). VCF-style: chr3-142496459-C-A. GRCh37 (hg19) VCF-style: chr3-142215301-C-A.
Other names: c.5608G>T, p.Ala1870Ser (NM_001354579.2); short protein forms A1870S, A1934S.
Identifiers: ClinVar variation 1749783 (VCV001749783.2), dbSNP rs2108333739, ClinGen allele CA354813685.